The following is an entry in ClinVar:

NM_201596.3(CACNB2):c.120+332G>T

Gene: CACNB2 (calcium voltage-gated channel auxiliary subunit beta 2; plus strand). Cytogenetic location: 10p12.33.
Variant type: single nucleotide variant.
Coding change: c.120+332G>T on transcript NM_201596.3 (MANE Select); 332 bases into the intron after coding-DNA position 120, G replaced by T.
Molecular consequence: intron variant. On other transcripts: missense variant (3).
Genome position (GRCh38, 1-based): chr10:18,141,188, G>T. VCF-style: chr10-18141188-G-T. GRCh37 (hg19) VCF-style: chr10-18430117-G-T.
Other names: c.9G>T, p.Gln3His (NM_001167945.2, NM_201571.4, NM_201572.4); c.120+332G>T (NM_201593.3, NM_201597.3); short protein forms Q3H.
Identifiers: ClinVar variation 3351794 (VCV003351794.1).
Genomic context (GRCh38, chr10:18,141,188, plus strand): 5'-TTGCTCCAGCTGGCCCTCCTCGCCCCTTCCCGGGAGAGGCACATGGAGAGACATGAATCA[G>T]GGGAGTGGACTGGACCTGCTGAAGATCGTGAGTCCGGGTGGGCGGGAGGGGGCCCGCTTC-3'

ClinVar aggregate classification (germline): Uncertain significance (0 of 4 stars; one submission).

Conditions:
CACNB2-related disorder. Also called: CACNB2-related condition.

gnomAD v4.1: 7 of 1,550,532 alleles (0.00045%); highest among the groups gnomAD compares: South Asian, 0.0012%; no homozygotes.

Submission:

PreventionGenetics, part of Exact Sciences
Classification: Uncertain significance for CACNB2-related condition. Last evaluated: 2024-04-24. Review status: no assertion criteria provided. Collection method: clinical testing. Allele origin: germline.
Comment: The CACNB2 c.9G>T variant is predicted to result in the amino acid substitution p.Gln3His. To our knowledge, this variant has not been reported in the literature. This variant is reported in 0.0044% of alleles in individuals of South Asian descent in gnomAD. At this time, the clinical significance of this variant is uncertain due to the absence of conclusive functional and genetic evidence.